The following is an entry in ClinVar:

NM_000417.3(IL2RA):c.484G>A (p.Gly162Ser)

Gene: IL2RA (interleukin 2 receptor subunit alpha; minus strand). Cytogenetic location: 10p15.1.
Variant type: single nucleotide variant.
Coding change: c.484G>A on transcript NM_000417.3 (MANE Select); coding-DNA position 484, G replaced by A.
Protein change: p.Gly162Ser; replaces glycine 162 with serine.
Molecular consequence: missense variant. On other transcripts: intron variant (2).
Genome position (GRCh38, 1-based): chr10:6,021,577, C>T on the plus strand (G>A on the coding strand, the complement: IL2RA is on the minus strand). VCF-style: chr10-6021577-C-T. GRCh37 (hg19) VCF-style: chr10-6063540-C-T.
Other names: c.368-2078G>A (NM_001308243.2); c.368-1636G>A (NM_001308242.2); short protein forms G162S.
Identifiers: ClinVar variation 642134 (VCV000642134.8), dbSNP rs146966522, ClinGen allele CA5397433.

ClinVar aggregate classification (germline): Uncertain significance. Review status: criteria provided, multiple submitters, no conflicts (2 of 4 stars). 4 submissions from 4 submitters: Uncertain significance (4). Last evaluated 2024-05-29.

Conditions:
Immunodeficiency due to CD25 deficiency. Also called: CD25 DEFICIENCY; IL2RA DEFICIENCY; IMMUNODEFICIENCY 41 WITH LYMPHOPROLIFERATION AND AUTOIMMUNITY. Identifiers: Orphanet 169100, MedGen C1853392, MONDO:0011664, OMIM 606367.

Allele frequency attached by ClinVar (database versions not stated): ExAC 0.00002; gnomAD exomes 0.00003; TOPMed 0.00006; gnomAD 0.00012 and 0.00015; ESP Exome Variant Server 0.00015.
gnomAD v4.1: 32 of 1,613,892 alleles (0.002%); highest among the groups gnomAD compares: African/African-American, 0.039%; no homozygotes.

Submissions (4):

Ambry Genetics
Classification: Uncertain significance. Last evaluated: 2024-05-29. Review status: criteria provided, single submitter. Criteria: Ambry Variant Classification Scheme 2023. Collection method: clinical testing. Allele origin: germline.

Blueprint Genetics
Classification: Uncertain significance. Last evaluated: 2023-12-15. Review status: criteria provided, single submitter. Criteria: ACMG Guidelines, 2015. Collection method: clinical testing. Allele origin: germline.

Labcorp Genetics (formerly Invitae), Labcorp
Classification: Uncertain significance for Immunodeficiency due to CD25 deficiency. Last evaluated: 2022-08-09. Review status: criteria provided, single submitter. Criteria: Invitae Variant Classification Sherloc (09022015). Collection method: clinical testing. Allele origin: germline.
Comment: This sequence change replaces glycine, which is neutral and non-polar, with serine, which is neutral and polar, at codon 162 of the IL2RA protein (p.Gly162Ser). This variant is present in population databases (rs146966522, gnomAD 0.04%). This variant has not been reported in the literature in individuals affected with IL2RA-related conditions. ClinVar contains an entry for this variant (Variation ID: 642134). Algorithms developed to predict the effect of missense changes on protein structure and function output the following: SIFT: "Tolerated"; PolyPhen-2: "Benign"; Align-GVGD: "Class C0". The serine amino acid residue is found in multiple mammalian species, which suggests that this missense change does not adversely affect protein function. In summary, the available evidence is currently insufficient to determine the role of this variant in disease. Therefore, it has been classified as a Variant of Uncertain Significance.

Baylor Genetics
Classification: Uncertain significance for Immunodeficiency due to CD25 deficiency. Last evaluated: 2019-10-12. Review status: criteria provided, single submitter. Criteria: ACMG Guidelines, 2015. Collection method: clinical testing. Allele origin: unknown. Affected: yes.
Comment: This variant was determined to be of uncertain significance according to ACMG Guidelines, 2015 [PMID:25741868].